The following is an entry in ClinVar:

ClinVar aggregate classification (germline): Likely benign (1 of 4 stars; one submission).

Conditions:
Cardiac anomalies - developmental delay - facial dysmorphism syndrome (MRFACD). Also called: MED13L Syndrome; Impaired intellectual development and distinctive facial features with or without cardiac defects. Identifiers: Orphanet 369891, MedGen C5192431, MONDO:0014773, OMIM 616789.

gnomAD v4.1: 17 of 1,613,178 alleles (0.0011%); highest among the groups gnomAD compares: South Asian, 0.018%; no homozygotes.

Submission:

Centre for Medical Genetics,  Mumbai
Classification: Likely benign for Cardiac anomalies - developmental delay - facial dysmorphism syndrome. Last evaluated: 2026-03-16. Review status: criteria provided, single submitter. Criteria: ACMG Guidelines, 2015. Collection method: provider interpretation. Allele origin: germline. Inheritance: Autosomal dominant inheritance. Affected: no. Observed: 1 variant allele, 1 heterozygote.
Comment: The variant satisfies PM2 criteria; Extremely low frequency in gnomAD population databases. The variant satisfies PP2 criteria; Missense variant in a gene with low rate of benign missense mutations and for which missense mutation is a common mechanism of a disease. The variant satisfies PP3 criteria; For a missense or a splicing region variant, computational prediction tools unanimously support a deleterious effect on the gene. However, the variant satisfies BS2 criteria.

Literature cited by the submitters: PubMed 14638541.

NM_015335.5(MED13L):c.5288C>T (p.Pro1763Leu)

Gene: MED13L (mediator complex subunit 13L; minus strand). Cytogenetic location: 12q24.21.
Variant type: single nucleotide variant.
Coding change: c.5288C>T on transcript NM_015335.5 (MANE Select); coding-DNA position 5288, C replaced by T.
Protein change: p.Pro1763Leu; replaces proline 1763 with leucine.
Molecular consequence: missense variant.
Genome position (GRCh38, 1-based): chr12:115,980,826, G>A on the plus strand (C>T on the coding strand, the complement: MED13L is on the minus strand). VCF-style: chr12-115980826-G-A. GRCh37 (hg19) VCF-style: chr12-116418631-G-A.
Other names: short protein forms P1763L.
Identifiers: ClinVar variation 4819556 (VCV004819556.1).